The following is an entry in ClinVar:

NM_024675.4(PALB2):c.1695T>C (p.Ser565=)

Gene: PALB2 (partner and localizer of BRCA2; minus strand). Cytogenetic location: 16p12.2.
Variant type: single nucleotide variant.
Coding change: c.1695T>C on transcript NM_024675.4 (MANE Select); coding-DNA position 1695, T replaced by C.
Protein change: p.Ser565=; no amino-acid change (serine 565 retained).
Molecular consequence: synonymous variant. On other transcripts: 5 prime UTR variant (2), intron variant (1).
Genome position (GRCh38, 1-based): chr16:23,630,459, A>G on the plus strand (T>C on the coding strand, the complement: PALB2 is on the minus strand). VCF-style: chr16-23630459-A-G. GRCh37 (hg19) VCF-style: chr16-23641780-A-G.
Other names: c.1635T>C, p.Ser545= (NM_001407296.1); c.1695T>C, p.Ser565= (NM_001407297.1, NM_001407298.1, NM_001407299.1 and 3 more transcripts); c.810T>C, p.Ser270= (NM_001407304.1, NM_001407305.1, NM_001407306.1 and 5 more transcripts); c.-94T>C (NM_001407312.1, NM_001407313.1); c.49-1184T>C (NM_001407314.1).
Identifiers: ClinVar variation 3903588 (VCV003903588.1).

ClinVar aggregate classification (germline): Benign (1 of 4 stars; one submission).

Conditions:
Familial cancer of breast. Also called: Hereditary breast cancer; hereditary breast carcinoma; BREAST CANCER, FAMILIAL. Identifiers: Orphanet 227535, MedGen C0346153, MONDO:0016419, OMIM 114480. Disease mechanism: loss of function.

Submission:

Myriad Genetics, Inc.
Classification: Benign for Familial cancer of breast. Last evaluated: 2025-01-14. Review status: criteria provided, single submitter. Criteria: Myriad Autosomal Dominant, Autosomal Recessive and X-Linked Classification Criteria (2023). Collection method: clinical testing. Allele origin: unknown.
Comment: This variant is considered benign. This variant is a silent/synonymous amino acid change and it is not expected to impact splicing.